The following is an entry in ClinVar:

NM_001159773.2(CANT1):c.316C>T (p.Arg106Ter)

Gene: CANT1 (calcium activated nucleotidase 1; minus strand). Cytogenetic location: 17q25.3.
Variant type: single nucleotide variant.
Coding change: c.316C>T on transcript NM_001159773.2 (MANE Select); coding-DNA position 316, C replaced by T.
Protein change: p.Arg106Ter; replaces arginine 106 with a stop codon.
Molecular consequence: nonsense.
Genome position (GRCh38, 1-based): chr17:78,997,307, G>A on the plus strand (C>T on the coding strand, the complement: CANT1 is on the minus strand). VCF-style: chr17-78997307-G-A. GRCh37 (hg19) VCF-style: chr17-76993389-G-A.
Other names: c.316C>T, p.Arg106Ter (NM_001159772.2, NM_138793.4); short protein forms R106*.
Identifiers: ClinVar variation 2887549 (VCV002887549.3), dbSNP rs372332465, ClinGen allele CA8808756.
Genomic context (GRCh38, chr17:78,997,307, plus strand): 5'-ACCAGGTGTTTTCCTCTTGGGCCCTTGACTCTGTGTCCAGGTCTGCGATAACTGCGATTC[G>A]ATACCGAATCCCAGCCGGTGTCCTTTGTGGGGGAGACAGGGGGTAGGTGTCATTGTACCA-3'

ClinVar aggregate classification (germline): Pathogenic (1 of 4 stars; one submission).

Allele frequency attached by ClinVar (database versions not stated): TOPMed below 0.00001; gnomAD 0.00001; gnomAD exomes 0.00001; ExAC 0.00002; ESP Exome Variant Server 0.00008.

Submission:

Labcorp Genetics (formerly Invitae), Labcorp
Classification: Pathogenic. Last evaluated: 2023-07-07. Review status: criteria provided, single submitter. Criteria: Invitae Variant Classification Sherloc (09022015). Collection method: clinical testing. Allele origin: germline.
Comment: For these reasons, this variant has been classified as Pathogenic. This sequence change creates a premature translational stop signal (p.Arg106*) in the CANT1 gene. It is expected to result in an absent or disrupted protein product. Loss-of-function variants in CANT1 are known to be pathogenic (PMID: 19853239, 21037275, 22539336). This variant is present in population databases (rs372332465, gnomAD 0.006%). This variant has not been reported in the literature in individuals affected with CANT1-related conditions.

Literature cited by the submitters: PubMed 19853239; PubMed 21037275; PubMed 22539336.